The following is an entry in ClinVar:

ClinVar aggregate classification (germline): Conflicting classifications of pathogenicity. Review status: criteria provided, conflicting classifications (1 of 4 stars). 3 submissions from 3 submitters: Uncertain significance (2); Likely benign (1). Last evaluated 2024-06-17.

Conditions:
Usher syndrome type 2C. Also called: Usher syndrome, type 2B; USHER SYNDROME, TYPE IIC. Identifiers: Orphanet 231178, Orphanet 886, MedGen C2931213, MONDO:0011558, OMIM 605472.

Allele frequency attached by ClinVar (database versions not stated): gnomAD 0.00001; TOPMed 0.00002; 1000 Genomes Project 30x 0.00016.
gnomAD v4.1: 35 of 1,587,024 alleles (0.0022%); highest among the groups gnomAD compares: East Asian, 0.07%; no homozygotes.

Submissions (3):

Women's Health and Genetics/Laboratory Corporation of America, LabCorp
Classification: Uncertain significance. Last evaluated: 2024-06-17. Review status: criteria provided, single submitter. Criteria: LabCorp Variant Classification Summary - May 2015. Collection method: clinical testing. Allele origin: germline.
Comment: Variant summary: ADGRV1 c.6469G>A (p.Val2157Met) results in a conservative amino acid change located in the Na-Ca exchanger/integrin-beta4 domain (IPR003644) of the encoded protein sequence. Three of five in-silico tools predict a benign effect of the variant on protein function. The variant allele was found at a frequency of 1.7e-05 in 230858 control chromosomes. The available data on variant occurrences in the general population are insufficient to allow any conclusion about variant significance. c.6469G>A has been reported in the literature in at least one heterozygous individual affected with sporadic early-onset hearing loss without reported second variant (e.g. Miyagawa_2013). This report does not provide unequivocal conclusions about association of the variant with Usher Syndrome. To our knowledge, no experimental evidence demonstrating an impact on protein function has been reported. The following publication has been ascertained in the context of this evaluation (PMID: 23967202). ClinVar contains an entry for this variant (Variation ID: 837251). Based on the evidence outlined above, the variant was classified as uncertain significance.

Labcorp Genetics (formerly Invitae), Labcorp
Classification: Likely benign. Last evaluated: 2023-11-22. Review status: criteria provided, single submitter. Criteria: Invitae Variant Classification Sherloc (09022015). Collection method: clinical testing. Allele origin: germline.

Illumina Laboratory Services, Illumina
Classification: Uncertain significance for Usher syndrome type 2C. Last evaluated: 2017-07-05. Review status: criteria provided, single submitter. Criteria: ICSL Variant Classification Criteria 13 December 2019. Collection method: clinical testing. Allele origin: germline.
Comment: This variant was observed as part of a predisposition screen in an ostensibly healthy population. A literature search was performed for the gene, cDNA change, and amino acid change (where applicable). Publications were found based on this search. However, the evidence from the literature, in combination with allele frequency data from public databases where available, was not sufficient to rule this variant in or out of causing disease. Therefore, this variant is classified as a variant of unknown significance.

Literature cited by the submitters: PubMed 23967202 (cited by Women's Health and Genetics/Laboratory Corporation of America, LabCorp and Illumina Laboratory Services, Illumina).

NM_032119.4(ADGRV1):c.6469G>A (p.Val2157Met)

Gene: ADGRV1 (adhesion G protein-coupled receptor V1; plus strand). Cytogenetic location: 5q14.3.
Variant type: single nucleotide variant.
Coding change: c.6469G>A on transcript NM_032119.4 (MANE Select); coding-DNA position 6469, G replaced by A.
Protein change: p.Val2157Met; replaces valine 2157 with methionine.
Molecular consequence: missense variant. On other transcripts: non-coding transcript variant (1).
Genome position (GRCh38, 1-based): chr5:90,685,974, G>A. VCF-style: chr5-90685974-G-A. GRCh37 (hg19) VCF-style: chr5-89981791-G-A.
Other names: short protein forms V2157M.
Identifiers: ClinVar variation 837251 (VCV000837251.14), dbSNP rs144723817, ClinGen allele CA3339787.